The following is an entry in ClinVar:

NM_017763.6(RNF43):c.338G>T (p.Arg113Leu)

Gene: RNF43 (ring finger protein 43; minus strand). Cytogenetic location: 17q22.
Variant type: single nucleotide variant.
Coding change: c.338G>T on transcript NM_017763.6 (MANE Select); coding-DNA position 338, G replaced by T.
Protein change: p.Arg113Leu; replaces arginine 113 with leucine.
Molecular consequence: missense variant. On other transcripts: 5 prime UTR variant (2).
Genome position (GRCh38, 1-based): chr17:58,370,948, C>A on the plus strand (G>T on the coding strand, the complement: RNF43 is on the minus strand). VCF-style: chr17-58370948-C-A. GRCh37 (hg19) VCF-style: chr17-56448309-C-A.
Other names: c.338G>T, p.Arg113Leu (NM_001305544.3, NM_001438820.1, NM_001438821.1 and 1 more transcripts); c.-44G>T (NM_001305545.2, NM_001437987.1); short protein forms R113L.
Identifiers: ClinVar variation 4841958 (VCV004841958.1).

ClinVar aggregate classification (germline): Uncertain significance (1 of 4 stars; one submission).

gnomAD v4.1: 2 of 1,610,302 alleles (0.00012%); highest among the groups gnomAD compares: Non-Finnish European, 0.00017%; no homozygotes.

Submission:

Ambry Genetics
Classification: Uncertain significance. Last evaluated: 2025-12-15. Review status: criteria provided, single submitter. Criteria: Ambry Variant Classification Scheme 2023. Collection method: clinical testing. Allele origin: germline.
Comment: The p.R113L variant (also known as c.338G>T), located in coding exon 2 of the RNF43 gene, results from a G to T substitution at nucleotide position 338. The arginine at codon 113 is replaced by leucine, an amino acid with dissimilar properties. This amino acid position is conserved. In addition, this alteration is predicted to be tolerated by in silico analysis. Based on the available evidence, the clinical significance of this variant remains unclear.